The following is an entry in ClinVar:

NM_004064.5(CDKN1B):c.-7G>C

Gene: CDKN1B (cyclin dependent kinase inhibitor 1B; plus strand). Cytogenetic location: 12p13.1.
Variant type: single nucleotide variant.
Coding change: c.-7G>C on transcript NM_004064.5 (MANE Select); 7 bases upstream of the start codon, G replaced by C.
Molecular consequence: 5 prime UTR variant.
Genome position (GRCh38, 1-based): chr12:12,717,833, G>C. VCF-style: chr12-12717833-G-C. GRCh37 (hg19) VCF-style: chr12-12870767-G-C.
Identifiers: ClinVar variation 827382 (VCV000827382.13), dbSNP rs751341214, ClinGen allele CA6457356.
Genomic context (GRCh38, chr12:12,717,833, plus strand): 5'-CTTTGTTTTGTTCGGTTTTGTTTTTTTGAGAGTGCGAGAGAGGCGGTCGTGCAGACCCGG[G>C]AGAAAGATGTCAAACGTGCGAGTGTCTAACGGGAGCCCTAGCCTGGAGCGGATGGACGCC-3'

ClinVar aggregate classification (germline): Uncertain significance. Review status: criteria provided, multiple submitters, no conflicts (2 of 4 stars). 3 submissions from 3 submitters: Uncertain significance (3). Last evaluated 2025-10-13.

Conditions:
Hereditary cancer-predisposing syndrome. Also called: Neoplastic Syndromes, Hereditary; Hereditary Cancer Syndrome; Hereditary neoplastic syndrome; Tumor predisposition. Identifiers: Orphanet 140162, MedGen C0027672, MeSH D009386, MONDO:0015356.
Multiple endocrine neoplasia type 4. Also called: MULTIPLE ENDOCRINE NEOPLASIA, TYPE IV. Identifiers: Orphanet 276152, MedGen C1970712, MONDO:0012552, OMIM 610755.

Allele frequency attached by ClinVar (database versions not stated): TOPMed 0.00001.

Submissions (3):

Labcorp Genetics (formerly Invitae), Labcorp
Classification: Uncertain significance for Multiple endocrine neoplasia type 4. Last evaluated: 2025-10-13. Review status: criteria provided, single submitter. Criteria: Invitae Variant Classification Sherloc (09022015). Collection method: clinical testing. Allele origin: germline.
Comment: This variant occurs in a non-coding region of the CDKN1B gene. It does not change the encoded amino acid sequence of the CDKN1B protein. This variant is present in population databases (rs751341214, gnomAD 0.004%). This variant has been observed in individual(s) with CDKN1B-related conditions (PMID: 19141585). ClinVar contains an entry for this variant (Variation ID: 827382). Studies have shown that this variant alters CDKN1B gene expression (PMID: 19141585). In summary, the available evidence is currently insufficient to determine the role of this variant in disease. Therefore, it has been classified as a Variant of Uncertain Significance.

Ambry Genetics
Classification: Uncertain significance for Hereditary cancer-predisposing syndrome. Last evaluated: 2025-07-10. Review status: criteria provided, single submitter. Criteria: Ambry Variant Classification Scheme 2023. Collection method: clinical testing. Allele origin: germline.
Comment: The c.-7G>C variant is located in the 5' untranslated region (5&rsquo; UTR) of the CDKN1B gene. This variant results from a G to C substitution 7 bases upstream from the first translated codon. Functional studies on this variant showed mRNA levels similar to wild-type, but also demonstrated a reduction of p27 protein levels to 6% of wild-type (Agarwal S et al. J. Clin. Endocrinol. Metab. 2009 May;94(5):1826-34). This nucleotide position is highly conserved in available vertebrate species. Based on the available evidence, the clinical significance of this variant remains unclear.

Illumina Laboratory Services, Illumina
Classification: Uncertain significance for Multiple endocrine neoplasia type 4. Last evaluated: 2017-04-27. Review status: criteria provided, single submitter. Criteria: ICSL Variant Classification Criteria 13 December 2019. Collection method: clinical testing. Allele origin: germline.
Comment: This variant was observed as part of a predisposition screen in an ostensibly healthy population. A literature search was performed for the gene, cDNA change, and amino acid change (where applicable). Publications were found based on this search. However, the evidence from the literature, in combination with allele frequency data from public databases where available, was not sufficient to rule this variant in or out of causing disease. Therefore, this variant is classified as a variant of unknown significance.

Literature cited by the submitters: PubMed 19141585 (cited by Labcorp Genetics (formerly Invitae), Labcorp and Illumina Laboratory Services, Illumina).